The following is an entry in ClinVar:

NM_024426.6(WT1):c.238G>C (p.Asp80His)

Genes: WT1 (WT1 transcription factor; minus strand), LOC107982234 (WT1/WT1-AS bi-directional promoter region; plus strand). Cytogenetic location: 11p13.
Variant type: single nucleotide variant.
Coding change: c.238G>C on transcript NM_024426.6 (MANE Select); coding-DNA position 238, G replaced by C.
Protein change: p.Asp80His; replaces aspartic acid 80 with histidine.
Molecular consequence: missense variant. On other transcripts: non-coding transcript variant (1).
Genome position (GRCh38, 1-based): chr11:32,435,123, C>G on the plus strand (G>C on the coding strand, the complement: WT1 is on the minus strand). VCF-style: chr11-32435123-C-G. GRCh37 (hg19) VCF-style: chr11-32456669-C-G.
Other names: c.238G>C, p.Asp80His (NM_000378.6, NM_001407044.1, NM_001407045.1 and 6 more transcripts); c.223G>C, p.Asp75His (NM_024425.2); short protein forms D75H, D80H.
Identifiers: ClinVar variation 2106320 (VCV002106320.4), dbSNP rs2494485849, ClinGen allele CA379966094.
Genomic context (GRCh38, chr11:32,435,123, plus strand): 5'-GCAGGGCACAGCCGCCGCCGCCACCCAGGGAGGGGACGGCGGGCAGCAGCGCGTTCAGGT[C>G]CCGCACGTCGGAGCCCATTTGCTGCGGCTCAGACCCGGACGCCCCGCGGCTCCTCCGGCC-3'
Protein context (NP_077744.4, residues 70-90): EPQQMGSDVR[Asp80His]LNALLPAVPS

ClinVar aggregate classification (germline): Uncertain significance (1 of 4 stars; one submission).

Conditions:
Drash syndrome (DDS). Also called: NEPHROPATHY, WILMS TUMOR, AND GENITAL ANOMALIES; WILMS TUMOR AND PSEUDO- OR TRUE HERMAPHRODITISM. Identifiers: Orphanet 220, MedGen C0950121, MONDO:0008682, OMIM 194080.
Frasier syndrome. Identifiers: Orphanet 347, MedGen C0950122, MeSH D052159, MONDO:0007635, OMIM 136680.
Wilms tumor 1 (WT1). Also called: Wilms tumor, somatic. Identifiers: Orphanet 654, MedGen CN033288, MONDO:0008679, OMIM 194070.
11p partial monosomy syndrome (WAGR). Also called: WAGR Spectrum Disorder; WAGR syndrome; WAGR Complex; CHROMOSOME 11p13 DELETION SYNDROME. Identifiers: Orphanet 893, MedGen C0206115, MONDO:0008681, OMIM 194072.

Submission:

Labcorp Genetics (formerly Invitae), Labcorp
Classification: Uncertain significance for Wilms tumor 1; Drash syndrome; 11p partial monosomy syndrome; Frasier syndrome. Last evaluated: 2022-03-11. Review status: criteria provided, single submitter. Criteria: Invitae Variant Classification Sherloc (09022015). Collection method: clinical testing. Allele origin: germline.
Comment: In summary, the available evidence is currently insufficient to determine the role of this variant in disease. Therefore, it has been classified as a Variant of Uncertain Significance. Algorithms developed to predict the effect of missense changes on protein structure and function are either unavailable or do not agree on the potential impact of this missense change (SIFT: "Deleterious"; PolyPhen-2: "Probably Damaging"; Align-GVGD: "Class C0"). This variant has not been reported in the literature in individuals affected with WT1-related conditions. This variant is not present in population databases (gnomAD no frequency). This sequence change replaces aspartic acid, which is acidic and polar, with histidine, which is basic and polar, at codon 75 of the WT1 protein (p.Asp75His).